The following is an entry in ClinVar:

NM_025150.5(TARS2):c.775-116A>G

Gene: TARS2 (threonyl-tRNA synthetase 2, mitochondrial; plus strand). Cytogenetic location: 1q21.2.
Variant type: single nucleotide variant.
Coding change: c.775-116A>G on transcript NM_025150.5 (MANE Select); 116 bases into the intron before coding-DNA position 775, A replaced by G.
Molecular consequence: intron variant.
Genome position (GRCh38, 1-based): chr1:150,496,366, A>G. VCF-style: chr1-150496366-A-G. GRCh37 (hg19) VCF-style: chr1-150468842-A-G.
Other names: c.775-1164A>G (NM_001271895.2); c.631-1164A>G (NM_001271896.2).
Identifiers: ClinVar variation 676425 (VCV000676425.2), dbSNP rs1343965, ClinGen allele CA15074549.
Genomic context (GRCh38, chr1:150,496,366, plus strand): 5'-CAACACTTTAATCTAGAAGAATGGTGTCTAGAGGATGGAGGTGTTCATCCTACTGGTGGG[A>G]TTGTTGTCAAGAGGCATACCTGTGACACTTAACACTGAGAGTATCATTTGAGTCTTGAAA-3'

ClinVar aggregate classification (germline): Benign. Review status: criteria provided, multiple submitters, no conflicts (2 of 4 stars). 2 submissions from 2 submitters: Benign (2). Last evaluated 2018-06-14.

Allele frequency attached by ClinVar (database versions not stated): 1000 Genomes Project 0.16294; 1000 Genomes Project 30x 0.16864; TOPMed 0.21765; gnomAD 0.23233.
gnomAD v4.1: 246,806 of 1,236,028 alleles (20%); highest among the groups gnomAD compares: African/African-American, 32%; 27,290 homozygotes.

Submissions (2):

GeneDx
Classification: Benign. Last evaluated: 2018-06-14. Review status: criteria provided, single submitter. Criteria: GeneDx Variant Classification (06012015). Collection method: clinical testing. Allele origin: germline. Affected: yes.
Comment: This variant is considered likely benign or benign based on one or more of the following criteria: it is a conservative change, it occurs at a poorly conserved position in the protein, it is predicted to be benign by multiple in silico algorithms, and/or has population frequency not consistent with disease.

Breakthrough Genomics
Classification: Benign. Review status: criteria provided, single submitter. Criteria: ACMG Guidelines, 2015. Collection method: not provided. Allele origin: germline. Inheritance: Autosomal recessive inheritance. Affected: yes.